The following is an entry in ClinVar:

NM_001370785.2(LRRC7):c.787-1G>T

Gene: LRRC7 (leucine rich repeat containing 7; plus strand). Cytogenetic location: 1p31.1.
Variant type: single nucleotide variant.
Coding change: c.787-1G>T on transcript NM_001370785.2 (MANE Select); the canonical splice acceptor site of the intron before coding-DNA position 787, G replaced by T.
Molecular consequence: splice acceptor variant.
Genome position (GRCh38, 1-based): chr1:69,986,241, G>T. VCF-style: chr1-69986241-G-T. GRCh37 (hg19) VCF-style: chr1-70451924-G-T.
Other names: c.688-1G>T (NM_001330635.3, NM_001366839.3, NM_001366841.1); c.787-1G>T (NM_001366838.3); c.790-1G>T (NM_001350216.3).
Identifiers: ClinVar variation 3342824 (VCV003342824.2).
Genomic context (GRCh38, chr1:69,986,241, plus strand): 5'-AACTTTAAAATGTCTTGTGAAAGTCTCTCAACTAACCCTGAGTTTATGCAATGTCATCAA[G>T]TCTATAGGGAAGTTAAAGATGTTGGTATACCTGGATATGTCAAAAAACAGAATAGAAACA-3'

ClinVar aggregate classification (germline): Pathogenic (1 of 4 stars; one submission).

Submission:

GeneDx
Classification: Pathogenic. Last evaluated: 2026-01-07. Review status: criteria provided, single submitter. Criteria: GeneDx Variant Classification Process June 2021. Collection method: clinical testing. Allele origin: germline.
Comment: Canonical splice site variant predicted to result in a null allele in a gene for which loss of function is a known mechanism of disease; Not observed at significant frequency in large population cohorts (gnomAD); Has not been previously published as pathogenic or benign to our knowledge